The following is an entry in ClinVar:

NM_183058.3(LYZL2):c.153G>A (p.Ala51=)

Gene: LYZL2 (lysozyme like 2; minus strand). Cytogenetic location: 10p11.23.
Variant type: single nucleotide variant.
Coding change: c.153G>A on transcript NM_183058.3 (MANE Select); coding-DNA position 153, G replaced by A.
Protein change: p.Ala51=; no amino-acid change (alanine 51 retained).
Molecular consequence: synonymous variant.
Genome position (GRCh38, 1-based): chr10:30,626,250, C>T on the plus strand (G>A on the coding strand, the complement: LYZL2 is on the minus strand). VCF-style: chr10-30626250-C-T. GRCh37 (hg19) VCF-style: chr10-30915179-C-T.
Identifiers: ClinVar variation 2640393 (VCV002640393.24), dbSNP rs1133364, ClinGen allele CA5460110.

ClinVar aggregate classification (germline): Likely benign (1 of 4 stars; one submission).

Allele frequency attached by ClinVar (database versions not stated): TOPMed 0.00012; gnomAD 0.00015; 1000 Genomes Project 0.00020; 1000 Genomes Project 30x 0.00031; ExAC 0.00031.
gnomAD v4.1: 260 of 1,614,024 alleles (0.016%); highest among the groups gnomAD compares: Middle Eastern, 0.12%; 3 homozygotes.

Submission:

CeGaT Center for Human Genetics Tuebingen
Classification: Likely benign. Last evaluated: 2022-07-01. Review status: criteria provided, single submitter. Criteria: CeGaT Center For Human Genetics Tuebingen Variant Classification Criteria Version 2. Collection method: clinical testing. Allele origin: germline. Affected: yes. Observed: 1 variant allele.
Comment: LYZL2: BP4, BP7